The following is an entry in ClinVar:

NM_002160.4(TNC):c.376C>G (p.Leu126Val)

Gene: TNC (tenascin C; minus strand). Cytogenetic location: 9q33.1.
Variant type: single nucleotide variant.
Coding change: c.376C>G on transcript NM_002160.4 (MANE Select); coding-DNA position 376, C replaced by G.
Protein change: p.Leu126Val; replaces leucine 126 with valine.
Molecular consequence: missense variant.
Genome position (GRCh38, 1-based): chr9:115,090,643, G>C on the plus strand (C>G on the coding strand, the complement: TNC is on the minus strand). VCF-style: chr9-115090643-G-C. GRCh37 (hg19) VCF-style: chr9-117852922-G-C.
Other names: c.376C>G, p.Leu126Val (NM_001410991.1, NM_001439065.1, NM_001439066.1 and 35 more transcripts); short protein forms L126V.
Identifiers: ClinVar variation 4982876 (VCV004982876.1).
Genomic context (GRCh38, chr9:115,090,643, plus strand): 5'-AGCCTGCTCCTGCAGTACATTGCTCCCTCAGGGAAGACACCAGGTTCTCCAGCTCCTCCA[G>C]TCTGCTCAGCAGCTCCTTAACATCAGGGGCTGCGGCACAGCCACAGGCCCGGCGGGGGAT-3'
Protein context (NP_002151.2, residues 116-136): APDVKELLSR[Leu126Val]EELENLVSSL

ClinVar aggregate classification (germline): Uncertain significance (1 of 4 stars; one submission).

Conditions:
TNC-related disorder. Also called: TNC-related condition.

gnomAD v4.1: 3 of 1,613,230 alleles (0.00019%); highest among the groups gnomAD compares: African/African-American, 0.004%; no homozygotes.

Submission:

PreventionGenetics, part of Exact Sciences
Classification: Uncertain significance for TNC-related condition. Last evaluated: 2026-02-11. Review status: criteria provided, single submitter. Criteria: ACMG Guidelines, 2015. Collection method: clinical testing. Allele origin: germline.
Comment: The TNC c.376C>G variant is predicted to result in the amino acid substitution p.Leu126Val. To our knowledge, this variant has not been reported in the literature. This variant is reported in 0.0062% of alleles in individuals of African descent in gnomAD. At this time, the clinical significance of this variant is uncertain due to the absence of conclusive functional and genetic evidence.